The following is an entry in ClinVar:

ClinVar aggregate classification (germline): Conflicting classifications of pathogenicity. Review status: criteria provided, conflicting classifications (1 of 4 stars). 3 submissions from 3 submitters: Uncertain significance (2); Likely benign (1). Last evaluated 2025-06-15.

Conditions:
Hereditary cancer-predisposing syndrome. Also called: Tumor predisposition; Neoplastic Syndromes, Hereditary; Hereditary Cancer Syndrome; Hereditary neoplastic syndrome. Identifiers: Orphanet 140162, MedGen C0027672, MeSH D009386, MONDO:0015356.
Hereditary breast ovarian cancer syndrome. Also called: Hereditary breast and ovarian cancer syndrome (HBOC); Breast and ovarian cancer; BRCA1- and BRCA2-Associated Hereditary Breast and Ovarian Cancer; Hereditary breast and ovarian cancer; Hereditary breast and ovarian cancer syndrome; Hereditary breast and/or ovarian cancer syndrome. Identifiers: Orphanet 145, MedGen C0677776, MeSH D061325, MONDO:0003582. Disease mechanism: loss of function.

Submissions (3):

Ambry Genetics
Classification: Uncertain significance for Hereditary cancer-predisposing syndrome. Last evaluated: 2025-06-15. Review status: criteria provided, single submitter. Criteria: Ambry Variant Classification Scheme 2023. Collection method: clinical testing. Allele origin: germline.
Comment: The p.S1284G variant (also known as c.3850A>G), located in coding exon 10 of the BRCA2 gene, results from an A to G substitution at nucleotide position 3850. The serine at codon 1284 is replaced by glycine, an amino acid with similar properties. This amino acid position is conserved. In addition, this alteration is predicted to be tolerated by in silico analysis. Based on the available evidence, the clinical significance of this variant remains unclear.

University of Washington Department of Laboratory Medicine, University of Washington
Classification: Likely benign for Hereditary cancer-predisposing syndrome. Last evaluated: 2023-03-23. Review status: criteria provided, single submitter. Criteria: Dines et al. (Genet Med. 2020). Collection method: curation. Allele origin: germline.
Comment: Missense variant in a coldspot region where missense variants are very unlikely to be pathogenic (PMID:31911673).

BRCA2 exon 11 coldspot. Reclassification based on statistical prior probability.

Labcorp Genetics (formerly Invitae), Labcorp
Classification: Uncertain significance for Hereditary breast ovarian cancer syndrome. Last evaluated: 2021-10-02. Review status: criteria provided, single submitter. Criteria: Invitae Variant Classification Sherloc (09022015). Collection method: clinical testing. Allele origin: germline.
Comment: This variant has not been reported in the literature in individuals affected with BRCA2-related conditions. This variant is not present in population databases (ExAC no frequency). This sequence change replaces serine with glycine at codon 1284 of the BRCA2 protein (p.Ser1284Gly). The serine residue is weakly conserved and there is a small physicochemical difference between serine and glycine. In summary, the available evidence is currently insufficient to determine the role of this variant in disease. Therefore, it has been classified as a Variant of Uncertain Significance. Algorithms developed to predict the effect of sequence changes on RNA splicing suggest that this variant may create or strengthen a splice site. Advanced modeling of protein sequence and biophysical properties (such as structural, functional, and spatial information, amino acid conservation, physicochemical variation, residue mobility, and thermodynamic stability) performed at Invitae indicates that this missense variant is not expected to disrupt BRCA2 protein function.

NM_000059.4(BRCA2):c.3850A>G (p.Ser1284Gly)

Gene: BRCA2 (BRCA2 DNA repair associated; plus strand). Cytogenetic location: 13q13.1.
Variant type: single nucleotide variant.
Coding change: c.3850A>G on transcript NM_000059.4 (MANE Select); coding-DNA position 3850, A replaced by G.
Protein change: p.Ser1284Gly; replaces serine 1284 with glycine.
Molecular consequence: missense variant.
Genome position (GRCh38, 1-based): chr13:32,338,205, A>G. VCF-style: chr13-32338205-A-G. GRCh37 (hg19) VCF-style: chr13-32912342-A-G.
Other names: c.3850A>G (NM_000059.3); short protein forms S1284G.
Identifiers: ClinVar variation 1384174 (VCV001384174.8), dbSNP rs2137500602, ClinGen allele CA387778607.
Genomic context (GRCh38, chr13:32,338,205, plus strand): 5'-AAATGTCATGATTCTGTTGTTTCAATGTTTAAGATAGAAAATCATAATGATAAAACTGTA[A>G]GTGAAAAAAATAATAAATGCCAACTGATATTACAAAATAATATTGAAATGACTACTGGCA-3'
Protein context (NP_000050.3, residues 1274-1294): KIENHNDKTV[Ser1284Gly]EKNNKCQLIL